The following is an entry in ClinVar:

NM_000321.3(RB1):c.1831A>G (p.Arg611Gly)

Gene: RB1 (RB transcriptional corepressor 1; plus strand). Cytogenetic location: 13q14.2.
Variant type: single nucleotide variant.
Coding change: c.1831A>G on transcript NM_000321.3 (MANE Select); coding-DNA position 1831, A replaced by G.
Protein change: p.Arg611Gly; replaces arginine 611 with glycine.
Molecular consequence: missense variant.
Genome position (GRCh38, 1-based): chr13:48,456,220, A>G. VCF-style: chr13-48456220-A-G. GRCh37 (hg19) VCF-style: chr13-49030356-A-G.
Other names: c.1831A>G, p.Arg611Gly (NM_001407165.1); short protein forms R611G.
Identifiers: ClinVar variation 3430910 (VCV003430910.1).

ClinVar aggregate classification (germline): Uncertain significance (1 of 4 stars; one submission).

Conditions:
Hereditary cancer-predisposing syndrome. Also called: Neoplastic Syndromes, Hereditary; Tumor predisposition; Hereditary Cancer Syndrome; Hereditary neoplastic syndrome. Identifiers: Orphanet 140162, MedGen C0027672, MeSH D009386, MONDO:0015356.

Submission:

Ambry Genetics
Classification: Uncertain significance for Hereditary cancer-predisposing syndrome. Last evaluated: 2024-10-30. Review status: criteria provided, single submitter. Criteria: Ambry Variant Classification Scheme 2023. Collection method: clinical testing. Allele origin: germline.
Comment: The p.R611G variant (also known as c.1831A>G), located in coding exon 19 of the RB1 gene, results from an A to G substitution at nucleotide position 1831. The arginine at codon 611 is replaced by glycine, an amino acid with dissimilar properties. This nucleotide position is highly conserved in available vertebrate species. In silico splice site analysis predicts that this alteration will result in the creation or strengthening of a novel splice acceptor site. RNA studies have demonstrated that this alteration results in a splice defect; the clinical impact of this abnormal splicing is unknown at this time (Ambry internal data). This amino acid position is well conserved in available vertebrate species. In addition, this alteration is predicted to be deleterious by in silico analysis. Based on the available evidence, the clinical significance of this variant remains unclear.